The following is an entry in ClinVar:

ClinVar aggregate classification (germline): Pathogenic (1 of 4 stars; one submission).

Conditions:
Colorectal cancer, hereditary nonpolyposis, type 7. Identifiers: Orphanet 144, MedGen C1858380, MONDO:0013725, OMIM 614385.

Submission:

Myriad Genetics, Inc.
Classification: Pathogenic for Colorectal cancer, hereditary nonpolyposis, type 7. Last evaluated: 2026-08-10. Review status: criteria provided, single submitter. Criteria: Myriad Autosomal Dominant, Autosomal Recessive and X-Linked Classification Criteria (2023). Collection method: clinical testing. Allele origin: unknown.
Comment: This variant is considered pathogenic. This variant creates a termination codon and is predicted to result in premature protein truncation.

NM_001040108.2(MLH3):c.3724G>T (p.Glu1242Ter)

Gene: MLH3 (mutL homolog 3; minus strand). Cytogenetic location: 14q24.3.
Variant type: single nucleotide variant.
Coding change: c.3724G>T on transcript NM_001040108.2 (MANE Select); coding-DNA position 3724, G replaced by T.
Protein change: p.Glu1242Ter; replaces glutamic acid 1242 with a stop codon.
Molecular consequence: nonsense.
Genome position (GRCh38, 1-based): chr14:75,032,171, C>A on the plus strand (G>T on the coding strand, the complement: MLH3 is on the minus strand). VCF-style: chr14-75032171-C-A. GRCh37 (hg19) VCF-style: chr14-75498874-C-A.
Other names: c.3652G>T, p.Glu1218Ter (NM_014381.3); short protein forms E1218*, E1242*.
Identifiers: ClinVar variation 5042247 (VCV005042247.1).